The following is an entry in ClinVar:

NM_004958.4(MTOR):c.3142A>T (p.Ile1048Phe)

Gene: MTOR (mechanistic target of rapamycin kinase; minus strand). Cytogenetic location: 1p36.22.
Variant type: single nucleotide variant.
Coding change: c.3142A>T on transcript NM_004958.4 (MANE Select); coding-DNA position 3142, A replaced by T.
Protein change: p.Ile1048Phe; replaces isoleucine 1048 with phenylalanine.
Molecular consequence: missense variant.
Genome position (GRCh38, 1-based): chr1:11,213,542, T>A on the plus strand (A>T on the coding strand, the complement: MTOR is on the minus strand). VCF-style: chr1-11213542-T-A. GRCh37 (hg19) VCF-style: chr1-11273599-T-A.
Other names: c.3142A>T, p.Ile1048Phe (NM_001386500.1); c.1894A>T, p.Ile632Phe (NM_001386501.1); short protein forms I1048F, I632F.
Identifiers: ClinVar variation 4885232 (VCV004885232.2).

ClinVar aggregate classification (germline): Uncertain significance (1 of 4 stars; one submission).

Submission:

Dasa
Classification: Uncertain significance. Last evaluated: 2025-11-04. Review status: criteria provided, single submitter. Criteria: DASA Assertion Criteria. Collection method: clinical testing. Allele origin: germline.
Comment: NM_004958.4(MTOR):c.3142A>T (p.Ile1048Phe) is a missense variant that results in the substitution of isoleucine with phenylalanine. This variant is absent from population databases. The currently available literature and clinical evidence are not sufficient to establish a definitive association between this variant and the reported condition. Therefore, this variant is classified as a variant of uncertain significance.